The following is an entry in ClinVar:

NM_000077.5(CDKN2A):c.73del (p.Arg24_Val25insTer)

Gene: CDKN2A (cyclin dependent kinase inhibitor 2A; minus strand). Cytogenetic location: 9p21.3.
Variant type: Deletion.
Coding change: c.73del on transcript NM_000077.5; coding-DNA position 73, one base deleted (G; older notation c.73delG).
Protein change: p.Arg24_Val25insTer.
Molecular consequence: frameshift variant, nonsense (on NM_000077.6). On other transcripts: intron variant (2).
Genome position (GRCh38, 1-based): chr9:21,974,755, C deleted on the plus strand (G on the coding strand, the reverse complement: CDKN2A is on the minus strand); the first of 3 consecutive C bases (chr9:21,974,755-21,974,757); deleting any one gives the same sequence. VCF-style (leftmost placement, unchanged base first): chr9-21974754-AC-A. GRCh37 (hg19) VCF-style: chr9-21974753-AC-A.
Other names: c.71delG, p.Val25Terfs (NM_000077.6); c.73del, p.Arg24_Val25insTer (NM_001195132.2, NM_058197.5); c.-3-3547del (NM_001363763.2); c.194-3547del (NM_058195.4).
Identifiers: ClinVar variation 4294282 (VCV004294282.1).

ClinVar aggregate classification (germline): Pathogenic (1 of 4 stars; one submission).

Conditions:
Melanoma-pancreatic cancer syndrome. Identifiers: Orphanet 404560, MedGen C1838547, MONDO:0011713, OMIM 606719. Disease mechanism: loss of function.

Submission:

Myriad Genetics, Inc.
Classification: Pathogenic for Melanoma-pancreatic cancer syndrome. Last evaluated: 2025-08-14. Review status: criteria provided, single submitter. Criteria: Myriad Autosomal Dominant, Autosomal Recessive and X-Linked Classification Criteria (2023). Collection method: clinical testing. Allele origin: unknown.
Comment: This variant is considered pathogenic. This variant creates a termination codon and is predicted to result in premature protein truncation.